The following is an entry in ClinVar:

ClinVar aggregate classification (germline): Uncertain significance (1 of 4 stars; one submission).

Conditions:
Familial cancer of breast. Also called: BREAST CANCER, FAMILIAL; hereditary breast carcinoma; Hereditary breast cancer. Identifiers: Orphanet 227535, MedGen C0346153, MONDO:0016419, OMIM 114480. Disease mechanism: loss of function.
Fanconi anemia complementation group J. Also called: BRIP1-Related Fanconi Anemia. Identifiers: Orphanet 84, MedGen C1836860, MONDO:0012187, OMIM 609054.

Submission:

Labcorp Genetics (formerly Invitae), Labcorp
Classification: Uncertain significance for Familial cancer of breast; Fanconi anemia complementation group J. Last evaluated: 2022-01-17. Review status: criteria provided, single submitter. Criteria: Invitae Variant Classification Sherloc (09022015). Collection method: clinical testing. Allele origin: germline.
Comment: This variant is not present in population databases (gnomAD no frequency). This variant has not been reported in the literature in individuals affected with BRIP1-related conditions. Algorithms developed to predict the effect of missense changes on protein structure and function (SIFT, PolyPhen-2, Align-GVGD) all suggest that this variant is likely to be disruptive. In summary, the available evidence is currently insufficient to determine the role of this variant in disease. Therefore, it has been classified as a Variant of Uncertain Significance. This sequence change replaces asparagine, which is neutral and polar, with isoleucine, which is neutral and non-polar, at codon 397 of the BRIP1 protein (p.Asn397Ile).

NM_032043.3(BRIP1):c.1190A>T (p.Asn397Ile)

Gene: BRIP1 (BRCA1 interacting DNA helicase 1; minus strand). Cytogenetic location: 17q23.2.
Variant type: single nucleotide variant.
Coding change: c.1190A>T on transcript NM_032043.3 (MANE Select); coding-DNA position 1190, A replaced by T.
Protein change: p.Asn397Ile; replaces asparagine 397 with isoleucine.
Molecular consequence: missense variant.
Genome position (GRCh38, 1-based): chr17:61,799,250, T>A on the plus strand (A>T on the coding strand, the complement: BRIP1 is on the minus strand). VCF-style: chr17-61799250-T-A. GRCh37 (hg19) VCF-style: chr17-59876611-T-A.
Other names: short protein forms N397I.
Identifiers: ClinVar variation 1910929 (VCV001910929.5), dbSNP rs2145308138, ClinGen allele CA400483726.